The following is an entry in ClinVar:

NM_000535.7(PMS2):c.308C>G (p.Thr103Ser)

Gene: PMS2 (PMS1 homolog 2, mismatch repair system component; minus strand). Cytogenetic location: 7p22.1.
Variant type: single nucleotide variant.
Coding change: c.308C>G on transcript NM_000535.7 (MANE Select); coding-DNA position 308, C replaced by G.
Protein change: p.Thr103Ser; replaces threonine 103 with serine.
Molecular consequence: missense variant. On other transcripts: 5 prime UTR variant (25), non-coding transcript variant (1), intron variant (21).
Genome position (GRCh38, 1-based): chr7:6,003,735, G>C on the plus strand (C>G on the coding strand, the complement: PMS2 is on the minus strand). VCF-style: chr7-6003735-G-C. GRCh37 (hg19) VCF-style: chr7-6043366-G-C.
Other names: c.-98C>G (NM_001018040.1, NM_001322003.2, NM_001322004.2 and 14 more transcripts); c.308C>G, p.Thr103Ser (NM_001322006.2, NM_001322014.2, NM_001406869.1 and 8 more transcripts); c.-577C>G (NM_001322011.2, NM_001322012.2); c.-177C>G (NM_001322015.2, NM_001406875.1, NM_001406877.1 and 3 more transcripts); c.494C>G, p.Thr165Ser (NM_001406866.1); c.332C>G, p.Thr111Ser (NM_001406868.1); c.-88C>G (NM_001406890.1); c.35+237C>G (NM_001322008.2, NM_001406902.1, NM_001406883.1 and 4 more transcripts); and 5 more; short protein forms T111S, T165S, T103S.
Identifiers: ClinVar variation 2837714 (VCV002837714.3), dbSNP rs1562693788, ClinGen allele CA366744609.

ClinVar aggregate classification (germline): Uncertain significance (1 of 4 stars; one submission).

Conditions:
Hereditary nonpolyposis colorectal neoplasms. Identifiers: MedGen C0009405, MeSH D003123.

Submission:

Labcorp Genetics (formerly Invitae), Labcorp
Classification: Uncertain significance for Hereditary nonpolyposis colorectal neoplasms. Last evaluated: 2023-02-15. Review status: criteria provided, single submitter. Criteria: Invitae Variant Classification Sherloc (09022015). Collection method: clinical testing. Allele origin: germline.
Comment: In summary, the available evidence is currently insufficient to determine the role of this variant in disease. Therefore, it has been classified as a Variant of Uncertain Significance. Advanced modeling of protein sequence and biophysical properties (such as structural, functional, and spatial information, amino acid conservation, physicochemical variation, residue mobility, and thermodynamic stability) performed at Invitae indicates that this missense variant is not expected to disrupt PMS2 protein function. This variant has not been reported in the literature in individuals affected with PMS2-related conditions. This variant is not present in population databases (gnomAD no frequency). This sequence change replaces threonine, which is neutral and polar, with serine, which is neutral and polar, at codon 103 of the PMS2 protein (p.Thr103Ser).